The following is an entry in ClinVar:

ClinVar aggregate classification (germline): Uncertain significance. Review status: criteria provided, multiple submitters, no conflicts (2 of 4 stars). 3 submissions from 3 submitters: Uncertain significance (3). Last evaluated 2023-03-20.

Conditions:
Dilated cardiomyopathy 1KK (CMD1KK). Identifiers: Orphanet 154, Orphanet 75249, MedGen C3714995, MONDO:0014100, OMIM 615248.
Cardiovascular phenotype. Identifiers: MedGen CN230736.
MYPN-related myopathy (CMYO24). Also called: Nemaline myopathy 11, autosomal recessive. Identifiers: MedGen C4479186, MONDO:0015023, OMIM 617336.

Allele frequency attached by ClinVar (database versions not stated): gnomAD exomes below 0.00001; gnomAD 0.00001; TOPMed 0.00002.
gnomAD v4.1: 8 of 1,613,986 alleles (0.0005%); highest among the groups gnomAD compares: African/African-American, 0.0013%; no homozygotes.

Submissions (3):

Ambry Genetics
Classification: Uncertain significance for Cardiovascular phenotype. Last evaluated: 2023-03-20. Review status: criteria provided, single submitter. Criteria: Ambry Variant Classification Scheme 2023. Collection method: clinical testing. Allele origin: germline.
Comment: The p.P945L variant (also known as c.2834C>T), located in coding exon 12 of the MYPN gene, results from a C to T substitution at nucleotide position 2834. The proline at codon 945 is replaced by leucine, an amino acid with similar properties. This amino acid position is highly conserved in available vertebrate species. In addition, this alteration is predicted to be deleterious by in silico analysis. Since supporting evidence is limited at this time, the clinical significance of this alteration remains unclear.

Labcorp Genetics (formerly Invitae), Labcorp
Classification: Uncertain significance for Dilated cardiomyopathy 1KK. Last evaluated: 2022-03-03. Review status: criteria provided, single submitter. Criteria: Invitae Variant Classification Sherloc (09022015). Collection method: clinical testing. Allele origin: germline.
Comment: This sequence change replaces proline, which is neutral and non-polar, with leucine, which is neutral and non-polar, at codon 945 of the MYPN protein (p.Pro945Leu). This variant is present in population databases (no rsID available, gnomAD 0.007%). This variant has not been reported in the literature in individuals affected with MYPN-related conditions. ClinVar contains an entry for this variant (Variation ID: 806491). Algorithms developed to predict the effect of missense changes on protein structure and function are either unavailable or do not agree on the potential impact of this missense change (SIFT: "Deleterious"; PolyPhen-2: "Probably Damaging"; Align-GVGD: "Class C0"). In summary, the available evidence is currently insufficient to determine the role of this variant in disease. Therefore, it has been classified as a Variant of Uncertain Significance.

Fulgent Genetics
Classification: Uncertain significance for Dilated cardiomyopathy 1KK; MYPN-related myopathy. Last evaluated: 2021-09-09. Review status: criteria provided, single submitter. Criteria: ACMG Guidelines, 2015. Collection method: clinical testing. Allele origin: unknown.

NM_032578.4(MYPN):c.2834C>T (p.Pro945Leu)

Gene: MYPN (myopalladin; plus strand). Cytogenetic location: 10q21.3.
Variant type: single nucleotide variant.
Coding change: c.2834C>T on transcript NM_032578.4 (MANE Select); coding-DNA position 2834, C replaced by T.
Protein change: p.Pro945Leu; replaces proline 945 with leucine.
Molecular consequence: missense variant. On other transcripts: non-coding transcript variant (2).
Genome position (GRCh38, 1-based): chr10:68,189,035, C>T. VCF-style: chr10-68189035-C-T. GRCh37 (hg19) VCF-style: chr10-69948792-C-T.
Other names: c.2834C>T, p.Pro945Leu (NM_001256267.2); c.1952C>T, p.Pro651Leu (NM_001256268.2); short protein forms P651L, P945L.
Identifiers: ClinVar variation 806491 (VCV000806491.22), dbSNP rs1477487826, ClinGen allele CA13342302.
Genomic context (GRCh38, chr10:68,189,035, plus strand): 5'-TTGATGAATCAGATGATGAAATTCAACATGATGAGATCCCCACGGGCAAGTGTATTGCTC[C>T]CATCTTTGACAAGAGACTCAAGCACTTCCGGGTCACAGAAGGCTCTCCAGTTACATTCAC-3'
Protein context (NP_115967.2, residues 935-955): DEIPTGKCIA[Pro945Leu]IFDKRLKHFR